The following is an entry in ClinVar:

ClinVar aggregate classification (germline): Likely benign (1 of 4 stars; one submission).

Allele frequency attached by ClinVar (database versions not stated): ESP Exome Variant Server 0.00028.
gnomAD v4.1: 78 of 1,199,891 alleles (0.0065%); highest among the groups gnomAD compares: African/African-American, 0.019%; no homozygotes.

Submission:

CeGaT Center for Human Genetics Tuebingen
Classification: Likely benign. Last evaluated: 2022-08-01. Review status: criteria provided, single submitter. Criteria: CeGaT Center For Human Genetics Tuebingen Variant Classification Criteria Version 2. Collection method: clinical testing. Allele origin: germline. Affected: yes. Observed: 1 variant allele.
Comment: GPM6B: BP4, BP7

NM_001001995.3(GPM6B):c.723C>T (p.Pro241=)

Gene: GPM6B (glycoprotein M6B; minus strand). Cytogenetic location: Xp22.2.
Variant type: single nucleotide variant.
Coding change: c.723C>T on transcript NM_001001995.3 (MANE Select); coding-DNA position 723, C replaced by T.
Protein change: p.Pro241=; no amino-acid change (proline 241 retained).
Molecular consequence: synonymous variant.
Genome position (GRCh38, 1-based): chrX:13,777,400, G>A on the plus strand (C>T on the coding strand, the complement: GPM6B is on the minus strand). VCF-style: chrX-13777400-G-A. GRCh37 (hg19) VCF-style: chrX-13795519-G-A.
Other names: c.546C>T, p.Pro182= (NM_001001994.3, NM_001318729.2); c.723C>T, p.Pro241= (NM_001001996.3); c.603C>T, p.Pro201= (NM_005278.5).
Identifiers: ClinVar variation 2660034 (VCV002660034.24), dbSNP rs141687297, ClinGen allele CA10352232.